The following is an entry in ClinVar:

ClinVar aggregate classification (germline): Uncertain significance (1 of 4 stars; one submission).

Conditions:
Primary dilated cardiomyopathy (DCM). Also called: Dilated Cardiomyopathy. Identifiers: Orphanet 217604, MedGen C0007193, MeSH D002311, MONDO:0005021, HP:0001644. Inheritance: Various modes of inheritance.

Submission:

Labcorp Genetics (formerly Invitae), Labcorp
Classification: Uncertain significance for Primary dilated cardiomyopathy. Last evaluated: 2021-03-26. Review status: criteria provided, single submitter. Criteria: Invitae Variant Classification Sherloc (09022015). Collection method: clinical testing. Allele origin: germline.
Comment: In summary, the available evidence is currently insufficient to determine the role of this variant in disease. Therefore, it has been classified as a Variant of Uncertain Significance. Experimental studies and prediction algorithms are not available or were not evaluated, and the functional significance of this variant is currently unknown. This variant has not been reported in the literature in individuals with NEBL-related conditions. This variant results in a copy number gain of the genomic region encompassing exon(s) 27-28 of the NEBL gene. The 5' boundary is likely confined to intron 26. The 3' end of this event is unknown as it extends beyond the assayed region for this gene and therefore may encompass additional genes. As the precise location of this event is unknown, it may be in tandem or it may be located elsewhere in the genome.

NC_000010.10:g.(?_21074676)_(21076257_?)dup

Gene: NEBL (nebulette; minus strand). Cytogenetic location: 10p12.31.
Variant type: Duplication.
Identifiers: ClinVar variation 1444193 (VCV001444193.6).